The following is an entry in ClinVar:

NM_182493.3(MYLK3):c.745A>G (p.Lys249Glu)

Gene: MYLK3 (myosin light chain kinase 3; minus strand). Cytogenetic location: 16q11.2.
Variant type: single nucleotide variant.
Coding change: c.745A>G on transcript NM_182493.3 (MANE Select); coding-DNA position 745, A replaced by G.
Protein change: p.Lys249Glu; replaces lysine 249 with glutamic acid.
Molecular consequence: missense variant. On other transcripts: intron variant (1).
Genome position (GRCh38, 1-based): chr16:46,737,967, T>C on the plus strand (A>G on the coding strand, the complement: MYLK3 is on the minus strand). VCF-style: chr16-46737967-T-C. GRCh37 (hg19) VCF-style: chr16-46771879-T-C.
Other names: c.-23+2090A>G (NM_001308301.1); short protein forms K249E.
Identifiers: ClinVar variation 4713880 (VCV004713880.1).
Genomic context (GRCh38, chr16:46,737,967, plus strand): 5'-CGGGTGCTGGAGCCAATTCCAGGCCAGTCCTGAGGTTCTCGCTGGGTGTCTCAGGAGCCT[T>C]GGCTTCCACCTTTGTGGGCAGGGGCAGGTGGCCAGGGAATGCCTGGGCTGGGCCAGGAAC-3'
Protein context (NP_872299.2, residues 239-259): HLPLPTKVEA[Lys249Glu]APETPSENLR

ClinVar aggregate classification (germline): Uncertain significance (1 of 4 stars; one submission).

Submission:

Labcorp Genetics (formerly Invitae), Labcorp
Classification: Uncertain significance. Last evaluated: 2025-02-26. Review status: criteria provided, single submitter. Criteria: Invitae Variant Classification Sherloc (09022015). Collection method: clinical testing. Allele origin: germline.
Comment: This sequence change replaces lysine, which is basic and polar, with glutamic acid, which is acidic and polar, at codon 249 of the MYLK3 protein (p.Lys249Glu). This variant is not present in population databases (gnomAD no frequency). This variant has not been reported in the literature in individuals affected with MYLK3-related conditions. An algorithm developed to predict the effect of missense changes on protein structure and function outputs the following: PolyPhen-2: "Benign". The glutamic acid amino acid residue is found in multiple mammalian species, which suggests that this missense change does not adversely affect protein function. In summary, the available evidence is currently insufficient to determine the role of this variant in disease. Therefore, it has been classified as a Variant of Uncertain Significance.